The following is an entry in ClinVar:

NM_021620.4(PRDM13):c.980_998dup (p.Arg334fs)

Genes: PRDM13 (PR/SET domain 13; plus strand), LOC129996881 (ATAC-STARR-seq lymphoblastoid silent region 17422; plus strand). Cytogenetic location: 6q16.2.
Variant type: Duplication.
Coding change: c.980_998dup on transcript NM_021620.4 (MANE Select); coding-DNA positions 980 to 998, 19 bases duplicated (GCAGGCTGCTGGGCGGGGG).
Protein change: p.Arg334fs; shifts the reading frame from arginine 334.
Molecular consequence: frameshift variant.
Genome position (GRCh38, 1-based): chr6:99,613,615-99,613,633, GCAGGCTGCTGGGCGGGGG duplicated; duplicating any 19 consecutive bases within chr6:99,613,613-99,613,633 gives the same sequence; the c. name uses the placement nearest the transcript's 3' end. VCF-style (leftmost placement, unchanged base first): chr6-99613612-T-TGGGCAGGCTGCTGGGCGGG. GRCh37 (hg19) VCF-style: chr6-100061488-T-TGGGCAGGCTGCTGGGCGGG.
Other names: short protein forms R334fs.
Identifiers: ClinVar variation 4724233 (VCV004724233.1).

ClinVar aggregate classification (germline): Uncertain significance (1 of 4 stars; one submission).

Submission:

Labcorp Genetics (formerly Invitae), Labcorp
Classification: Uncertain significance. Last evaluated: 2025-07-29. Review status: criteria provided, single submitter. Criteria: Invitae Variant Classification Sherloc (09022015). Collection method: clinical testing. Allele origin: germline.
Comment: This sequence change creates a premature translational stop signal (p.Arg334Glnfs*124) in the PRDM13 gene. While this is not anticipated to result in nonsense mediated decay, it is expected to disrupt the last 374 amino acid(s) of the PRDM13 protein. This variant is not present in population databases (gnomAD no frequency). This variant has not been reported in the literature in individuals affected with PRDM13-related conditions. In summary, the available evidence is currently insufficient to determine the role of this variant in disease. Therefore, it has been classified as a Variant of Uncertain Significance.